The following is an entry in ClinVar:

ClinVar aggregate classification (germline): Conflicting classifications of pathogenicity. Review status: criteria provided, conflicting classifications (1 of 4 stars). 2 submissions from 2 submitters: Uncertain significance (1); Likely benign (1). Last evaluated 2025-09-25.

Allele frequency attached by ClinVar (database versions not stated): ExAC 0.00001.
gnomAD v4.1: 9 of 1,613,188 alleles (0.00056%); highest among the groups gnomAD compares: South Asian, 0.0099%; no homozygotes.

Submissions (2):

Ambry Genetics
Classification: Uncertain significance. Last evaluated: 2025-09-25. Review status: criteria provided, single submitter. Criteria: Ambry Variant Classification Scheme 2023. Collection method: clinical testing. Allele origin: germline.

CeGaT Center for Human Genetics Tuebingen
Classification: Likely benign. Last evaluated: 2023-08-01. Review status: criteria provided, single submitter. Criteria: CeGaT Center For Human Genetics Tuebingen Variant Classification Criteria Version 2. Collection method: clinical testing. Allele origin: germline. Affected: yes. Observed: 1 variant allele.
Comment: MCM2: BP5

NM_004526.4(MCM2):c.1536G>C (p.Lys512Asn)

Gene: MCM2 (minichromosome maintenance complex component 2; plus strand). Cytogenetic location: 3q21.3.
Variant type: single nucleotide variant.
Coding change: c.1536G>C on transcript NM_004526.4 (MANE Select); coding-DNA position 1536, G replaced by C.
Protein change: p.Lys512Asn; replaces lysine 512 with asparagine.
Molecular consequence: missense variant. On other transcripts: non-coding transcript variant (1).
Genome position (GRCh38, 1-based): chr3:127,616,881, G>C. VCF-style: chr3-127616881-G-C. GRCh37 (hg19) VCF-style: chr3-127335724-G-C.
Other names: c.1536G>C (NM_004526.2); short protein forms K512N.
Identifiers: ClinVar variation 2654106 (VCV002654106.24), dbSNP rs756785735, ClinGen allele CA2595942.